The following is an entry in ClinVar:

ClinVar aggregate classification (germline): Uncertain significance (1 of 4 stars; one submission).

Submission:

GeneDx
Classification: Uncertain significance. Last evaluated: 2023-12-07. Review status: criteria provided, single submitter. Criteria: GeneDx Variant Classification Process June 2021. Collection method: clinical testing. Allele origin: germline.
Comment: Nonsense variant predicted to result in protein truncation or nonsense mediated decay in a gene for which loss-of-function is not an established mechanism of disease; Not observed at significant frequency in large population cohorts (gnomAD); Has not been previously published as pathogenic or benign to our knowledge; Variants in candidate genes are classified as variants of uncertain significance in accordance with ACMG guidelines (PMID: 25741868)

NM_001099271.2(POC5):c.864G>A (p.Trp288Ter)

Gene: POC5 (POC5 centriolar protein; minus strand). Cytogenetic location: 5q13.3.
Variant type: single nucleotide variant.
Coding change: c.864G>A on transcript NM_001099271.2 (MANE Select); coding-DNA position 864, G replaced by A.
Protein change: p.Trp288Ter; replaces tryptophan 288 with a stop codon.
Molecular consequence: nonsense.
Genome position (GRCh38, 1-based): chr5:75,690,494, C>T on the plus strand (G>A on the coding strand, the complement: POC5 is on the minus strand). VCF-style: chr5-75690494-C-T. GRCh37 (hg19) VCF-style: chr5-74986319-C-T.
Other names: c.789G>A, p.Trp263Ter (NM_152408.3); short protein forms W263*, W288*.
Identifiers: ClinVar variation 4891430 (VCV004891430.1).